The following is an entry in ClinVar:

ClinVar aggregate classification (germline): Pathogenic/Likely pathogenic. Review status: criteria provided, multiple submitters, no conflicts (2 of 4 stars). 2 submissions from 2 submitters: Pathogenic (1); Likely pathogenic (1). Last evaluated 2023-06-30.

Conditions:
Nephrotic syndrome, type 2 (NPHS2). Also called: NEPHROTIC SYNDROME, STEROID-RESISTANT, AUTOSOMAL RECESSIVE. Identifiers: Orphanet 656, MedGen C1868672, MONDO:0010974, OMIM 600995.

Allele frequency attached by ClinVar (database versions not stated): gnomAD exomes below 0.00001.
gnomAD v4.1: 3 of 1,614,116 alleles (0.00019%); highest among the groups gnomAD compares: Non-Finnish European, 0.00025%; no homozygotes.

Submissions (2):

Labcorp Genetics (formerly Invitae), Labcorp
Classification: Pathogenic. Last evaluated: 2023-06-30. Review status: criteria provided, single submitter. Criteria: Invitae Variant Classification Sherloc (09022015). Collection method: clinical testing. Allele origin: germline.
Comment: This sequence change creates a premature translational stop signal (p.Trp256*) in the NPHS2 gene. It is expected to result in an absent or disrupted protein product. Loss-of-function variants in NPHS2 are known to be pathogenic (PMID: 10742096, 14701729, 15253708, 23595123). This variant is not present in population databases (gnomAD no frequency). This variant has not been reported in the literature in individuals affected with NPHS2-related conditions. ClinVar contains an entry for this variant (Variation ID: 1075584). For these reasons, this variant has been classified as Pathogenic.

Baylor Genetics
Classification: Likely pathogenic for Nephrotic syndrome, type 2. Last evaluated: 2022-07-26. Review status: criteria provided, single submitter. Criteria: ACMG Guidelines, 2015. Collection method: clinical testing. Allele origin: unknown.

Literature cited by the submitters: PubMed 10742096 (cited by Labcorp Genetics (formerly Invitae), Labcorp); PubMed 14701729 (cited by Labcorp Genetics (formerly Invitae), Labcorp); PubMed 15253708 (cited by Labcorp Genetics (formerly Invitae), Labcorp); PubMed 23595123 (cited by Labcorp Genetics (formerly Invitae), Labcorp).

NM_014625.4(NPHS2):c.768G>A (p.Trp256Ter)

Genes: AXDND1 (axonemal dynein light chain domain containing 1; plus strand), NPHS2 (NPHS2 stomatin family member, podocin; minus strand). Cytogenetic location: 1q25.2.
Variant type: single nucleotide variant.
Coding change: c.768G>A on transcript NM_014625.4 (MANE Select); coding-DNA position 768, G replaced by A.
Protein change: p.Trp256Ter; replaces tryptophan 256 with a stop codon.
Molecular consequence: nonsense. On other transcripts: intron variant (1).
Genome position (GRCh38, 1-based): chr1:179,554,502, C>T on the plus strand (G>A on the coding strand, the complement: NPHS2 is on the minus strand). VCF-style: chr1-179554502-C-T. GRCh37 (hg19) VCF-style: chr1-179523637-C-T.
Other names: c.564G>A, p.Trp188Ter (NM_001297575.2); c.3032-10C>T (NM_144696.6); short protein forms W188*, W256*.
Identifiers: ClinVar variation 1075584 (VCV001075584.6), dbSNP rs2125780480, ClinGen allele CA343566434.
Genomic context (GRCh38, chr1:179,554,502, plus strand): 5'-TCATACAGTTCTTGCTAGTTAATTTCCTACCCACATTTCTATTCTCTCCACTTTGATTCC[C>T]CAAATACAGGTCACTGAATCCAAGGCAACCTGTGGAAAGAAGAATTCAGATGTCAGTGGG-3'